The following is an entry in ClinVar:

ClinVar aggregate classification (germline): Pathogenic. Review status: criteria provided, multiple submitters, no conflicts (2 of 4 stars). 3 submissions from 3 submitters: Pathogenic (3). Last evaluated 2026-02-25.

Conditions:
Familial adenomatous polyposis 1 (FAP1). Also called: FAMILIAL ADENOMATOUS POLYPOSIS 1, ATTENUATED; POLYPOSIS, ADENOMATOUS INTESTINAL. Identifiers: MedGen C2713442, MONDO:0021056, OMIM 175100. Disease mechanism: loss of function.

Submissions (3):

Myriad Genetics, Inc.
Classification: Pathogenic for Familial adenomatous polyposis 1. Last evaluated: 2026-02-25. Review status: criteria provided, single submitter. Criteria: Myriad Autosomal Dominant, Autosomal Recessive and X-Linked Classification Criteria (2023). Collection method: clinical testing. Allele origin: unknown.
Comment: This variant is considered pathogenic. This variant creates a frameshift predicted to result in premature protein truncation.

GeneDx
Classification: Pathogenic. Last evaluated: 2024-12-17. Review status: criteria provided, single submitter. Criteria: GeneDx Variant Classification Process June 2021. Collection method: clinical testing. Allele origin: germline. Affected: yes.
Comment: Frameshift variant predicted to result in protein truncation in a gene for which loss of function is a known mechanism of disease; Not observed at significant frequency in large population cohorts (gnomAD); Has not been previously published as pathogenic or benign to our knowledge; This variant is associated with the following publications: (PMID: 18199528)

Labcorp Genetics (formerly Invitae), Labcorp
Classification: Pathogenic for Familial adenomatous polyposis 1. Last evaluated: 2024-10-02. Review status: criteria provided, single submitter. Criteria: Invitae Variant Classification Sherloc (09022015). Collection method: clinical testing. Allele origin: germline.
Comment: This sequence change creates a premature translational stop signal (p.Ala2128Leufs*11) in the APC gene. While this is not anticipated to result in nonsense mediated decay, it is expected to disrupt the last 716 amino acid(s) of the APC protein. This variant is not present in population databases (gnomAD no frequency). This variant has not been reported in the literature in individuals affected with APC-related conditions. ClinVar contains an entry for this variant (Variation ID: 504055). This variant is expected to disrupt the EB1 and HDLG binding sites, which mediate interactions with the cytoskeleton (PMID: 15311282, 17293347). While functional studies have not been performed to directly test the effect on APC protein function, this suggests that disruption of the C-terminal portion of the protein is functionally important. A different truncation (p.Tyr2645Lysfs*14) that lies downstream of this variant has been determined to be pathogenic (PMID: 9824584, 1316610, 27081525, 8381579, 22135120, internal data). This suggests that deletion of this region of the APC protein is causative of disease. For these reasons, this variant has been classified as Pathogenic.

Literature cited by the submitters: PubMed 15311282 (cited by Labcorp Genetics (formerly Invitae), Labcorp); PubMed 17293347 (cited by Labcorp Genetics (formerly Invitae), Labcorp); PubMed 9824584 (cited by Labcorp Genetics (formerly Invitae), Labcorp); PubMed 1316610 (cited by Labcorp Genetics (formerly Invitae), Labcorp); PubMed 27081525 (cited by Labcorp Genetics (formerly Invitae), Labcorp); PubMed 8381579 (cited by Labcorp Genetics (formerly Invitae), Labcorp); PubMed 22135120 (cited by Labcorp Genetics (formerly Invitae), Labcorp).

NM_000038.6(APC):c.6381del (p.Ala2128fs)

Gene: APC (APC regulator of Wnt signaling pathway; plus strand). Cytogenetic location: 5q22.2.
Variant type: Deletion.
Coding change: c.6381del on transcript NM_000038.6 (MANE Select); coding-DNA position 6381, one base deleted (A; older notation c.6381delA).
Protein change: p.Ala2128fs; shifts the reading frame from alanine 2128.
Molecular consequence: frameshift variant.
Genome position (GRCh38, 1-based): chr5:112,841,975, A deleted; the last of 2 consecutive A bases (chr5:112,841,974-112,841,975); deleting either gives the same sequence. VCF-style (leftmost placement, unchanged base first): chr5-112841973-CA-C. GRCh37 (hg19) VCF-style: chr5-112177670-CA-C.
Other names: c.6381delA (NM_000038.5); c.6381del, p.Ala2128fs (NM_001127510.3, NM_001354895.2); c.6327del, p.Ala2110fs (NM_001127511.3); c.6435del, p.Ala2146fs (NM_001354896.2); c.6411del, p.Ala2138fs (NM_001354897.2); c.6306del, p.Ala2103fs (NM_001354898.2); c.6297del, p.Ala2100fs (NM_001354899.2); c.6258del, p.Ala2087fs (NM_001354900.2); and 6 more; short protein forms A2146fs, A1968fs, A2027fs, A2037fs, A2100fs, A2103fs, A2110fs, A2128fs.
Identifiers: ClinVar variation 504055 (VCV000504055.12), dbSNP rs1554087379, ClinGen allele CA658796582.